The following is an entry in ClinVar:

NM_000492.4(CFTR):c.1439G>T (p.Gly480Val)

Genes: CFTR (CF transmembrane conductance regulator; plus strand), CFTR-AS1 (CFTR antisense RNA 1; minus strand). Cytogenetic location: 7q31.2.
Variant type: single nucleotide variant.
Coding change: c.1439G>T on transcript NM_000492.4 (MANE Select); coding-DNA position 1439, G replaced by T.
Protein change: p.Gly480Val; replaces glycine 480 with valine.
Molecular consequence: missense variant.
Genome position (GRCh38, 1-based): chr7:117,559,510, G>T. VCF-style: chr7-117559510-G-T. GRCh37 (hg19) VCF-style: chr7-117199564-G-T.
Other names: short protein forms G480V.
Identifiers: ClinVar variation 1772665 (VCV001772665.2), dbSNP rs397508208, ClinGen allele CA368984416.

ClinVar aggregate classification (germline): Uncertain significance (1 of 4 stars; one submission).

Conditions:
Cystic fibrosis (CF). Also called: MUCOVISCIDOSIS. Identifiers: Orphanet 586, MedGen C0010674, MONDO:0009061, OMIM 219700. Disease mechanism: loss of function.

Submission:

Ambry Genetics
Classification: Uncertain significance for Cystic fibrosis. Last evaluated: 2019-12-17. Review status: criteria provided, single submitter. Criteria: Ambry Variant Classification Scheme 2023. Collection method: clinical testing. Allele origin: germline.
Comment: The p.G480V variant (also known as c.1439G>T), located in coding exon 11 of the CFTR gene, results from a G to T substitution at nucleotide position 1439. The glycine at codon 480 is replaced by valine, an amino acid with dissimilar properties. This variant was not reported in population based cohorts in the following databases: Database of Single Nucleotide Polymorphisms (dbSNP), NHLBI Exome Sequencing Project (ESP), and 1000 Genomes Project. In the ESP, this variant was not observed in 6503 samples (13006 alleles) with coverage at this position. This amino acid position is highly conserved on sequence alignment. In addition, this alteration is predicted to be deleterious by in silico analysis. Since supporting evidence is limited at this time, the clinical significance of this variant remains unclear.